The following is an entry in ClinVar:

ClinVar aggregate classification (germline): Uncertain significance. Review status: criteria provided, multiple submitters, no conflicts (2 of 4 stars). 2 submissions from 2 submitters: Uncertain significance (2). Last evaluated 2020-03-12.

Allele frequency attached by ClinVar (database versions not stated): gnomAD exomes below 0.00001.
gnomAD v4.1: 1 of 1,611,066 alleles (0.000062%); highest among the groups gnomAD compares: Non-Finnish European, 0.000085%; no homozygotes.

Submissions (2):

GeneDx
Classification: Uncertain significance. Last evaluated: 2020-03-12. Review status: criteria provided, single submitter. Criteria: GeneDx Variant Classification Process June 2021. Collection method: clinical testing. Allele origin: germline. Affected: yes.
Comment: Has not been previously published as pathogenic or benign to our knowledge; Not observed in large population cohorts (Lek et al., 2016); In-silico analysis, which includes splice predictors and evolutionary conservation, is inconclusive as to whether the variant alters gene splicing; in the absence of RNA/functional studies, the actual effect of this sequence change is unknown

Blueprint Genetics
Classification: Uncertain significance. Last evaluated: 2019-08-20. Review status: criteria provided, single submitter. Criteria: ACMG Guidelines, 2015. Collection method: clinical testing. Allele origin: germline.

NM_000089.4(COL1A2):c.225G>A (p.Gly75=)

Gene: COL1A2 (collagen type I alpha 2 chain; plus strand). Cytogenetic location: 7q21.3.
Variant type: single nucleotide variant.
Coding change: c.225G>A on transcript NM_000089.4 (MANE Select); coding-DNA position 225, G replaced by A.
Protein change: p.Gly75=; no amino-acid change (glycine 75 retained).
Molecular consequence: synonymous variant.
Genome position (GRCh38, 1-based): chr7:94,400,288, G>A. VCF-style: chr7-94400288-G-A. GRCh37 (hg19) VCF-style: chr7-94029600-G-A.
Identifiers: ClinVar variation 1313212 (VCV001313212.3), dbSNP rs1791665796, ClinGen allele CA456486520.